The following is an entry in ClinVar:

NM_000143.4(FH):c.1427A>G (p.His476Arg)

Gene: FH (fumarate hydratase; minus strand). Cytogenetic location: 1q43.
Variant type: single nucleotide variant.
Coding change: c.1427A>G on transcript NM_000143.4 (MANE Select); coding-DNA position 1427, A replaced by G.
Protein change: p.His476Arg; replaces histidine 476 with arginine.
Molecular consequence: missense variant.
Genome position (GRCh38, 1-based): chr1:241,497,934, T>C on the plus strand (A>G on the coding strand, the complement: FH is on the minus strand). VCF-style: chr1-241497934-T-C. GRCh37 (hg19) VCF-style: chr1-241661234-T-C.
Other names: short protein forms H476R.
Identifiers: ClinVar variation 1425482 (VCV001425482.6), dbSNP rs1202960869, ClinGen allele CA345450793.

ClinVar aggregate classification (germline): Uncertain significance (1 of 4 stars; one submission).

Submission:

Labcorp Genetics (formerly Invitae), Labcorp
Classification: Uncertain significance. Last evaluated: 2021-09-10. Review status: criteria provided, single submitter. Criteria: Invitae Variant Classification Sherloc (09022015). Collection method: clinical testing. Allele origin: germline.
Comment: In summary, the available evidence is currently insufficient to determine the role of this variant in disease. Therefore, it has been classified as a Variant of Uncertain Significance. Advanced modeling of protein sequence and biophysical properties (such as structural, functional, and spatial information, amino acid conservation, physicochemical variation, residue mobility, and thermodynamic stability) performed at Invitae indicates that this missense variant is expected to disrupt FH protein function. This missense change has been observed in individual(s) with renal cancer (PMID: 30548481). This variant is not present in population databases (ExAC no frequency). This sequence change replaces histidine with arginine at codon 476 of the FH protein (p.His476Arg). The histidine residue is highly conserved and there is a small physicochemical difference between histidine and arginine.

Literature cited by the submitters: PubMed 30548481.